The following is an entry in ClinVar:

ClinVar aggregate classification (germline): Likely benign (0 of 4 stars; one submission).

Conditions:
ATP2A3-related disorder. Also called: ATP2A3-related condition.

Allele frequency attached by ClinVar (database versions not stated): ESP Exome Variant Server 0.00008; TOPMed 0.00014; gnomAD 0.00018; 1000 Genomes Project 0.00020; gnomAD exomes 0.00025; 1000 Genomes Project 30x 0.00047; ExAC 0.00053.
gnomAD v4.1: 413 of 1,599,474 alleles (0.026%); highest among the groups gnomAD compares: East Asian, 0.23%; 5 homozygotes.

Submission:

PreventionGenetics, part of Exact Sciences
Classification: Likely benign for ATP2A3-related condition. Last evaluated: 2019-02-22. Review status: no assertion criteria provided. Collection method: clinical testing. Allele origin: germline.
Comment: This variant is classified as likely benign based on ACMG/AMP sequence variant interpretation guidelines (Richards et al. 2015 PMID: 25741868, with internal and published modifications).

NM_005173.4(ATP2A3):c.669C>T (p.Ala223=)

Gene: ATP2A3 (ATPase sarcoplasmic/endoplasmic reticulum Ca2+ transporting 3; minus strand). Cytogenetic location: 17p13.2.
Variant type: single nucleotide variant.
Coding change: c.669C>T on transcript NM_005173.4 (MANE Select); coding-DNA position 669, C replaced by T.
Protein change: p.Ala223=; no amino-acid change (alanine 223 retained).
Molecular consequence: synonymous variant.
Genome position (GRCh38, 1-based): chr17:3,947,817, G>A on the plus strand (C>T on the coding strand, the complement: ATP2A3 is on the minus strand). VCF-style: chr17-3947817-G-A. GRCh37 (hg19) VCF-style: chr17-3851111-G-A.
Other names: c.669C>T, p.Ala223= (NM_174953.3, NM_174954.3, NM_174955.3 and 3 more transcripts).
Identifiers: ClinVar variation 3042544 (VCV003042544.2), dbSNP rs149762992, ClinGen allele CA8297440.
Genomic context (GRCh38, chr17:3,947,817, plus strand): 5'-CTCGACTGCCGCCATCTGGCTCCGGATCTTGCCCAGCTCCGTGTGCAGGCCGGTGGCCAC[G>A]GCCACACCCACCGCTTTGCCCGATGTGATATTGGTGCCCTGGCCAGGGGAGGGACAAGGA-3'
Protein context (NP_005164.2, residues 213-233): NITSGKAVGV[Ala223=]VATGLHTELG